The following is an entry in ClinVar:

NM_013275.6(ANKRD11):c.1800dup (p.Arg601fs)

Gene: ANKRD11 (ankyrin repeat domain 11; minus strand). Cytogenetic location: 16q24.3.
Variant type: Duplication.
Coding change: c.1800dup on transcript NM_013275.6 (MANE Select); coding-DNA position 1800, one base duplicated (G; older notation c.1800dupG).
Protein change: p.Arg601fs; shifts the reading frame from arginine 601.
Molecular consequence: frameshift variant.
Genome position (GRCh38, 1-based): chr16:89,284,742, C duplicated on the plus strand (G on the coding strand, the reverse complement: ANKRD11 is on the minus strand). VCF-style (leftmost placement, unchanged base first): chr16-89284741-G-GC. GRCh37 (hg19) VCF-style: chr16-89351149-G-GC.
Other names: c.1800dup, p.Arg601fs (NM_001256182.2, NM_001256183.2); short protein forms R601fs.
Identifiers: ClinVar variation 932062 (VCV000932062.3), dbSNP rs2034524807, ClinGen allele CA1139664895.

ClinVar aggregate classification (germline): Pathogenic (1 of 4 stars; one submission).

Conditions:
KBG syndrome (KBGS). Also called: ANKRD11-Related KBG Syndrome. Identifiers: Orphanet 2332, MedGen C0220687, MONDO:0007846, OMIM 148050.

Submission:

Centre for Mendelian Genomics, University Medical Centre Ljubljana
Classification: Pathogenic for KBG syndrome. Last evaluated: 2019-02-20. Review status: criteria provided, single submitter. Criteria: ACMG Guidelines, 2015. Collection method: clinical testing. Allele origin: unknown. Affected: yes.
Comment: This variant was classified as: Pathogenic. The following ACMG criteria were applied in classifying this variant: PVS1,PM2.